The following is an entry in ClinVar:

ClinVar aggregate classification (germline): Benign (1 of 4 stars; one submission).

Allele frequency attached by ClinVar (database versions not stated): 1000 Genomes Project 0.07448; 1000 Genomes Project 30x 0.07464; TOPMed 0.11882; gnomAD 0.12974 and 0.13293.
gnomAD v4.1: 19,718 of 151,326 alleles (13%); highest among the groups gnomAD compares: Non-Finnish European, 19%; 1,719 homozygotes.

Submission:

GeneDx
Classification: Benign. Last evaluated: 2018-06-14. Review status: criteria provided, single submitter. Criteria: GeneDx Variant Classification (06012015). Collection method: clinical testing. Allele origin: germline. Affected: yes.
Comment: This variant is considered likely benign or benign based on one or more of the following criteria: it is a conservative change, it occurs at a poorly conserved position in the protein, it is predicted to be benign by multiple in silico algorithms, and/or has population frequency not consistent with disease.

NM_002887.4(RARS1):c.1873+162C>T

Gene: RARS1 (arginyl-tRNA synthetase 1; plus strand). Cytogenetic location: 5q34.
Variant type: single nucleotide variant.
Coding change: c.1873+162C>T on transcript NM_002887.4 (MANE Select); 162 bases into the intron after coding-DNA position 1873, C replaced by T.
Molecular consequence: intron variant.
Genome position (GRCh38, 1-based): chr5:168,518,224, C>T. VCF-style: chr5-168518224-C-T. GRCh37 (hg19) VCF-style: chr5-167945229-C-T.
Identifiers: ClinVar variation 669559 (VCV000669559.1), dbSNP rs6555816, ClinGen allele CA12041789.